The following is an entry in ClinVar:

ClinVar aggregate classification (germline): Uncertain significance (1 of 4 stars; one submission).

gnomAD v4.1: 6 of 1,604,826 alleles (0.00037%); highest among the groups gnomAD compares: Non-Finnish European, 0.00043%; no homozygotes.

Submission:

Labcorp Genetics (formerly Invitae), Labcorp
Classification: Uncertain significance. Last evaluated: 2026-01-23. Review status: criteria provided, single submitter. Criteria: Invitae Variant Classification Sherloc (09022015). Collection method: clinical testing. Allele origin: germline.
Comment: This sequence change replaces threonine, which is neutral and polar, with lysine, which is basic and polar, at codon 298 of the LRIT3 protein (p.Thr298Lys). This variant is present in population databases (no rsID available, gnomAD 0.007%). This variant has not been reported in the literature in individuals affected with LRIT3-related conditions. An algorithm developed to predict the effect of missense changes on protein structure and function (PolyPhen-2) suggests that this variant is likely to be disruptive. In summary, the available evidence is currently insufficient to determine the role of this variant in disease. Therefore, it has been classified as a Variant of Uncertain Significance.

NM_198506.5(LRIT3):c.893C>A (p.Thr298Lys)

Gene: LRIT3 (leucine rich repeat, Ig-like and transmembrane domains 3; plus strand). Cytogenetic location: 4q25.
Variant type: single nucleotide variant.
Coding change: c.893C>A on transcript NM_198506.5 (MANE Select); coding-DNA position 893, C replaced by A.
Protein change: p.Thr298Lys; replaces threonine 298 with lysine.
Molecular consequence: missense variant.
Genome position (GRCh38, 1-based): chr4:109,867,944, C>A. VCF-style: chr4-109867944-C-A. GRCh37 (hg19) VCF-style: chr4-110789100-C-A.
Other names: short protein forms T298K.
Identifiers: ClinVar variation 4706118 (VCV004706118.1).
Genomic context (GRCh38, chr4:109,867,944, plus strand): 5'-CTGGCTTCCCCACCCCACAGATCACATGGACCAGATCTGACAGCTCGCCAGTTAATTATA[C>A]AGGTATTTTCTTAATTCAGCCCCATGATCAAAGGAGTTTACTAAGCTTTGAAGTTAACAT-3'
Protein context (NP_940908.3, residues 288-308): TRSDSSPVNY[Thr298Lys]VIQESPEEGV